The following is an entry in ClinVar:

NM_005219.5(DIAPH1):c.3188A>G (p.Lys1063Arg)

Gene: DIAPH1 (diaphanous related formin 1; minus strand). Cytogenetic location: 5q31.3.
Variant type: single nucleotide variant.
Coding change: c.3188A>G on transcript NM_005219.5 (MANE Select); coding-DNA position 3188, A replaced by G.
Protein change: p.Lys1063Arg; replaces lysine 1063 with arginine.
Molecular consequence: missense variant.
Genome position (GRCh38, 1-based): chr5:141,527,658, T>C on the plus strand (A>G on the coding strand, the complement: DIAPH1 is on the minus strand). VCF-style: chr5-141527658-T-C. GRCh37 (hg19) VCF-style: chr5-140907225-T-C.
Other names: c.3161A>G, p.Lys1054Arg (NM_001079812.3); c.3188A>G, p.Lys1063Arg (NM_001314007.2); c.3188A>G (NM_005219.4); short protein forms K1063R, K1054R.
Identifiers: ClinVar variation 1510712 (VCV001510712.9), dbSNP rs757169374, ClinGen allele CA3478842.

ClinVar aggregate classification (germline): Uncertain significance. Review status: criteria provided, multiple submitters, no conflicts (2 of 4 stars). 2 submissions from 2 submitters: Uncertain significance (2). Last evaluated 2025-12-31.

Conditions:
Progressive microcephaly-seizures-cortical blindness-developmental delay syndrome. Also called: Seizures, cortical blindness, and microcephaly syndrome. Identifiers: Orphanet 477814, MedGen C5567650, MONDO:0014714, OMIM 616632.
Autosomal dominant nonsyndromic hearing loss 1. Also called: DEAFNESS, AUTOSOMAL DOMINANT 1, WITH OR WITHOUT THROMBOCYTOPENIA; KONIGSMARK SYNDROME. Identifiers: Orphanet 90635, MedGen C1852282, MONDO:0007424, OMIM 124900.
Inborn genetic diseases. Identifiers: MedGen C0950123, MeSH D030342.

Allele frequency attached by ClinVar (database versions not stated): gnomAD exomes below 0.00001; TOPMed below 0.00001; ExAC 0.00001; gnomAD 0.00001.

Submissions (2):

Ambry Genetics
Classification: Uncertain significance for Inborn genetic diseases. Last evaluated: 2025-12-31. Review status: criteria provided, single submitter. Criteria: Ambry Variant Classification Scheme 2023. Collection method: clinical testing. Allele origin: germline.
Comment: The c.3188A>G (p.K1063R) alteration is located in exon 24 (coding exon 24) of the DIAPH1 gene. This alteration results from a A to G substitution at nucleotide position 3188, causing the lysine (K) at amino acid position 1063 to be replaced by an arginine (R). Based on data from gnomAD, the G allele has an overall frequency of <0.001% (1/248260) total alleles studied. The highest observed frequency was 0.001% (1/112664) of European (non-Finnish) alleles. Based on insufficient or conflicting evidence, the clinical significance of this alteration remains unclear.

Labcorp Genetics (formerly Invitae), Labcorp
Classification: Uncertain significance for Progressive microcephaly-seizures-cortical blindness-developmental delay syndrome; Autosomal dominant nonsyndromic hearing loss 1. Last evaluated: 2022-03-11. Review status: criteria provided, single submitter. Criteria: Invitae Variant Classification Sherloc (09022015). Collection method: clinical testing. Allele origin: germline.
Comment: This sequence change replaces lysine, which is basic and polar, with arginine, which is basic and polar, at codon 1063 of the DIAPH1 protein (p.Lys1063Arg). The frequency data for this variant in the population databases is considered unreliable, as metrics indicate poor data quality at this position in the gnomAD database. This variant has not been reported in the literature in individuals affected with DIAPH1-related conditions. Algorithms developed to predict the effect of missense changes on protein structure and function output the following: SIFT: "Tolerated"; PolyPhen-2: "Benign"; Align-GVGD: "Class C0". The arginine amino acid residue is found in multiple mammalian species, which suggests that this missense change does not adversely affect protein function. In summary, the available evidence is currently insufficient to determine the role of this variant in disease. Therefore, it has been classified as a Variant of Uncertain Significance.